The following is an entry in ClinVar:

NM_013372.7(GREM1):c.312C>G (p.His104Gln)

Gene: GREM1 (gremlin 1, DAN family BMP antagonist; plus strand). Cytogenetic location: 15q13.3.
Variant type: single nucleotide variant.
Coding change: c.312C>G on transcript NM_013372.7 (MANE Select); coding-DNA position 312, C replaced by G.
Protein change: p.His104Gln; replaces histidine 104 with glutamine.
Molecular consequence: missense variant.
Genome position (GRCh38, 1-based): chr15:32,731,002, C>G. VCF-style: chr15-32731002-C-G. GRCh37 (hg19) VCF-style: chr15-33023203-C-G.
Other names: c.102C>G, p.His34Gln (NM_001191322.2); c.189C>G, p.His63Gln (NM_001191323.2); c.312C>G, p.His104Gln (NM_001368719.1); short protein forms H104Q, H34Q, H63Q.
Identifiers: ClinVar variation 3522517 (VCV003522517.1).

ClinVar aggregate classification (germline): Uncertain significance (1 of 4 stars; one submission).

Conditions:
Hereditary cancer-predisposing syndrome. Also called: Hereditary Cancer Syndrome; Hereditary neoplastic syndrome; Tumor predisposition; Neoplastic Syndromes, Hereditary. Identifiers: Orphanet 140162, MedGen C0027672, MeSH D009386, MONDO:0015356.

Submission:

Ambry Genetics
Classification: Uncertain significance for Hereditary cancer-predisposing syndrome. Last evaluated: 2024-10-25. Review status: criteria provided, single submitter. Criteria: Ambry Variant Classification Scheme 2023. Collection method: clinical testing. Allele origin: germline.
Comment: The p.H104Q variant (also known as c.312C>G), located in coding exon 1 of the GREM1 gene, results from a C to G substitution at nucleotide position 312. The histidine at codon 104 is replaced by glutamine, an amino acid with highly similar properties. This amino acid position is conserved. In addition, this alteration is predicted to be tolerated by in silico analysis. Based on the available evidence, the clinical significance of this variant remains unclear.